The following is an entry in ClinVar:

ClinVar aggregate classification (germline): Benign. Review status: criteria provided, multiple submitters, no conflicts (2 of 4 stars). 2 submissions from 2 submitters: Benign (2). Last evaluated 2018-01-13.

Conditions:
Fibrous dysplasia of jaw (CRBM). Also called: Cherubism. Identifiers: Orphanet 184, MedGen C0008029, MONDO:0007315, OMIM 118400.

Allele frequency attached by ClinVar (database versions not stated): 1000 Genomes Project 0.00359; 1000 Genomes Project 30x 0.00359; TOPMed 0.01124; gnomAD 0.01238 and 0.01285.

Submissions (2):

Illumina Laboratory Services, Illumina
Classification: Benign for Fibrous dysplasia of jaw. Last evaluated: 2018-01-13. Review status: criteria provided, single submitter. Criteria: ICSL Variant Classification Criteria 13 December 2019. Collection method: clinical testing. Allele origin: germline.
Comment: This variant was observed in the ICSL laboratory as part of a predisposition screen in an ostensibly healthy population. It had not been previously curated by ICSL or reported in the Human Gene Mutation Database (HGMD: prior to June 1st, 2018), and was therefore a candidate for classification through an automated scoring system. Utilizing variant allele frequency, disease prevalence and penetrance estimates, and inheritance mode, an automated score was calculated to assess if this variant is too frequent to cause the disease. Based on the score and internal cut-off values, a variant classified as benign is not then subjected to further curation. The score for this variant resulted in a classification of benign for this disease.

Breakthrough Genomics
Classification: Benign. Review status: criteria provided, single submitter. Criteria: ACMG Guidelines, 2015. Collection method: not provided. Allele origin: germline. Inheritance: Autosomal dominant inheritance. Affected: yes.

NM_001122681.2(SH3BP2):c.*3609C>T

Gene: SH3BP2 (SH3 domain binding protein 2; plus strand). Cytogenetic location: 4p16.3.
Variant type: single nucleotide variant.
Coding change: c.*3609C>T on transcript NM_001122681.2 (MANE Select); 3609 bases downstream of the stop codon, C replaced by T.
Molecular consequence: 3 prime UTR variant.
Genome position (GRCh38, 1-based): chr4:2,837,443, C>T. VCF-style: chr4-2837443-C-T. GRCh37 (hg19) VCF-style: chr4-2839170-C-T.
Other names: c.*3609C>T (LRG_1334t2, LRG_1334t1, NM_001145855.2 and 2 more transcripts).
Identifiers: ClinVar variation 348661 (VCV000348661.6), dbSNP rs139161010, ClinGen allele CA10618658.
Genomic context (GRCh38, chr4:2,837,443, plus strand): 5'-GCCACGTTGTGCGGAGCTCCCCTGCTGGTTGGGGCTCAGCGCAGCCCCAGGGAGGTGCTT[C>T]CTGCACCTCAGGATGGGCGAGGGTGGGCATTGGGGGAGAGGGGGACCTGGGACCTGCGGC-3'